The following is an entry in ClinVar:

ClinVar aggregate classification (germline): Uncertain significance (1 of 4 stars; one submission).

gnomAD v4.1: 3 of 1,591,162 alleles (0.00019%); highest among the groups gnomAD compares: South Asian, 0.0022%; no homozygotes.

Submission:

GeneDx
Classification: Uncertain significance. Last evaluated: 2026-02-25. Review status: criteria provided, single submitter. Criteria: GeneDx Variant Classification Process June 2021. Collection method: clinical testing. Allele origin: germline.
Comment: Not observed at significant frequency in large population cohorts (gnomAD); In silico analysis suggests that this missense variant does not alter protein structure/function; Has not been previously published as pathogenic or benign to our knowledge

NM_138576.4(BCL11B):c.1456G>A (p.Gly486Ser)

Gene: BCL11B (BCL11 transcription factor B; minus strand). Cytogenetic location: 14q32.2.
Variant type: single nucleotide variant.
Coding change: c.1456G>A on transcript NM_138576.4 (MANE Select); coding-DNA position 1456, G replaced by A.
Protein change: p.Gly486Ser; replaces glycine 486 with serine.
Molecular consequence: missense variant.
Genome position (GRCh38, 1-based): chr14:99,175,380, C>T on the plus strand (G>A on the coding strand, the complement: BCL11B is on the minus strand). VCF-style: chr14-99175380-C-T. GRCh37 (hg19) VCF-style: chr14-99641717-C-T.
Other names: c.1453G>A, p.Gly485Ser (NM_001282237.2); c.1240G>A, p.Gly414Ser (NM_001282238.2); c.1243G>A, p.Gly415Ser (NM_022898.3); short protein forms G414S, G415S, G485S, G486S.
Identifiers: ClinVar variation 4891363 (VCV004891363.1).